The following is an entry in ClinVar:

NM_025137.4(SPG11):c.4744-7T>C

Gene: SPG11 (SPG11 vesicle trafficking associated, spatacsin; minus strand). Cytogenetic location: 15q21.1.
Variant type: single nucleotide variant.
Coding change: c.4744-7T>C on transcript NM_025137.4 (MANE Select); 7 bases into the intron before coding-DNA position 4744, T replaced by C.
Molecular consequence: intron variant.
Genome position (GRCh38, 1-based): chr15:44,589,421, A>G on the plus strand (T>C on the coding strand, the complement: SPG11 is on the minus strand). VCF-style: chr15-44589421-A-G. GRCh37 (hg19) VCF-style: chr15-44881619-A-G.
Other names: c.4744-7T>C (NM_001160227.2, NM_025137.3).
Identifiers: ClinVar variation 1625776 (VCV001625776.9), dbSNP rs1179242305, ClinGen allele CA617678020.

ClinVar aggregate classification (germline): Likely benign. Review status: criteria provided, multiple submitters, no conflicts (2 of 4 stars). 2 submissions from 2 submitters: Likely benign (2). Last evaluated 2026-07-29.

Conditions:
SPG11-related disorder. Also called: SPG11-related condition.
Hereditary spastic paraplegia 11. Also called: SPASTIC PARAPLEGIA, AUTOSOMAL RECESSIVE, COMPLICATED, WITH THIN CORPUS CALLOSUM; SPASTIC PARAPLEGIA, AUTOSOMAL RECESSIVE, WITH MENTAL IMPAIRMENT AND THIN CORPUS CALLOSUM; Nakamura Osame syndrome; Autosomal recessive hereditary spastic paraplegia, mental impairment, and thin corpus callosum; Spastic Paraplegia 11; Spastic paraplegia, mental retardation and thin corpus callosum. Identifiers: Orphanet 2822, MedGen C1858479, MONDO:0011445, OMIM 604360.

Allele frequency attached by ClinVar (database versions not stated): gnomAD exomes 0.00001 and 0.00004; TOPMed below 0.00001; gnomAD 0.00001.
gnomAD v4.1: 64 of 1,613,910 alleles (0.004%); highest among the groups gnomAD compares: Non-Finnish European, 0.0052%; no homozygotes.

Submissions (2):

PreventionGenetics, part of Exact Sciences
Classification: Likely benign for SPG11-related condition. Last evaluated: 2026-07-29. Review status: criteria provided, single submitter. Criteria: ACMG Guidelines, 2015. Collection method: clinical testing. Allele origin: germline.
Comment: This variant is classified as likely benign based on ACMG/AMP sequence variant interpretation guidelines (Richards et al. 2015 PMID: 25741868, with internal and published modifications).

Labcorp Genetics (formerly Invitae), Labcorp
Classification: Likely benign for Hereditary spastic paraplegia 11. Last evaluated: 2025-12-27. Review status: criteria provided, single submitter. Criteria: Invitae Variant Classification Sherloc (09022015). Collection method: clinical testing. Allele origin: germline.